The following continues an entry in ClinVar:

NM_000435.3(NOTCH3):c.994C>T (p.Arg332Cys)

Gene: NOTCH3. ClinVar aggregate classification (germline): Pathogenic/Likely pathogenic. Pathogenic (10); Likely pathogenic (1).

Submissions 10 to 12 of 12:

Victorian Clinical Genetics Services, Murdoch Childrens Research Institute
Classification: Pathogenic for Cerebral arteriopathy, autosomal dominant, with subcortical infarcts and leukoencephalopathy, type 1. Last evaluated: 2022-02-02. Review status: criteria provided, single submitter. Criteria: ACMG Guidelines, 2015. Collection method: clinical testing. Allele origin: germline. Inheritance: Autosomal dominant inheritance. Affected: yes.
Comment: Based on the classification scheme VCGS_Germline_v1.3.4, this variant is classified as Pathogenic. Following criteria are met: 0105 - The mechanism of disease for this gene is not clearly established. Both loss of function and dominant negative mechanisms have been suggested to cause CADASIL (MIM#125310), however lateral meningocele syndrome (MIM#130720) results from a gain of function mechanism (PMID: 25914166, PMID: 14714274, OMIM). (I) 0107 - This gene is associated with autosomal dominant disease. (I) 0200 - Variant is predicted to result in a missense amino acid change from arginine to cysteine. (I) 0251 - This variant is heterozygous. (I) 0301 - Variant is absent from gnomAD (both v2 and v3). (SP) 0309 - An alternative amino acid change at the same position has been observed in gnomAD (v2) (2 heterozygotes, 0 homozygotes). (I) 0501 - Missense variant consistently predicted to be damaging by multiple in silico tools or highly conserved with a major amino acid change. (SP) 0601 - Variant is located in the well-established functional EGF repeat, and creates a cysteine amino acid. These changes are well known to affect protein stability (NCBI, PMID: 27881154, GeneReviews). (SP) 0801 - This variant has strong previous evidence of pathogenicity in unrelated individuals. This variant has been reported as pathogenic, and observed in multiple individuals with CADASIL (ClinVar, PMID: 27881154, PMID: 28334938, PMID:11559313, PMID: 22082899, PMID: 15694192). (SP) 0901 - This variant has strong evidence for segregation with disease. This variant has segregated within two families with CADASIL (PMID:11559313, PMID: 15694192). (SP) 1101 - Very strong and specific phenotype match for this individual. (SP) Legend: (SP) - Supporting pathogenic, (I) - Information, (SB) - Supporting benign

ARUP Laboratories, Molecular Genetics and Genomics, ARUP Laboratories
Classification: Pathogenic. Last evaluated: 2020-07-25. Review status: criteria provided, single submitter. Criteria: ARUP Molecular Germline Variant Investigation Process. Collection method: clinical testing. Allele origin: germline.
Comment: The NOTCH3 c.994C>T; p.Arg332Cys variant (rs137852641) is reported in the literature in multiple individuals and segregates with disease in several large families affected with CADASIL (Lee 2006, Lynch 2017, Matsushima 2017, Oliveri 2001, Sano 2011, Tang 2005). This variant is reported in ClinVar (Variation ID: 9224), and is absent from general population databases (Exome Variant Server, Genome Aggregation Database), indicating it is not a common polymorphism. The arginine at codon 332 is highly conserved, and computational analyses (SIFT, PolyPhen-2) predict that this variant is deleterious. Most pathogenic NOTCH3 variants occur in exons 2-24 and either create or destroy a cysteine residue within an EGF-like domain (Rutten 2014), and thus the p.Arg332Cys variant is consistent with the predominant mechanism of disease in NOTCH3. Based on available information, this variant is considered to be pathogenic. References: Lee YC et al. Cerebral autosomal dominant arteriopathy with subcortical infarcts and leukoencephalopathy: two novel mutations in the NOTCH3 gene in Chinese. J Neurol Sci. 2006 Jul 15;246(1-2):111-5. Lynch DS et al. Clinical and genetic characterization of leukoencephalopathies in adults. Brain. 2017 May 1;140(5):1204-1211. Matsushima T et al. Genotype-phenotype correlations of cysteine replacement in CADASIL. Neurobiol Aging. 2017 Feb;50:169.e7-169.e14. Oliveri RL et al. A novel mutation in the Notch3 gene in an Italian family with cerebral autosomal dominant arteriopathy with subcortical infarcts and leukoencephalopathy: genetic and magnetic resonance spectroscopic findings. Arch Neurol. 2001 Sep;58(9):1418-22. Rutten JW et al. Interpretation of NOTCH3 mutations in the diagnosis of CADASIL. Expert Rev Mol Diagn. 2014 Jun;14(5):593-603. Sano Y et al. p.Arg332Cys mutation of NOTCH3 gene in two unrelated Japanese families with CADASIL. Intern Med. 2011;50(22):2833-8. Tang SC et al. Arg332Cys mutation of NOTCH3 gene in the first known Taiwanese family with cerebral autosomal dominant arteriopathy with subcortical infarcts and leukoencephalopathy. J Neurol Sci. 2005 Feb 15;228(2):125-8.

OMIM
Classification: Pathogenic for CEREBRAL ARTERIOPATHY, AUTOSOMAL DOMINANT, WITH SUBCORTICAL INFARCTS AND LEUKOENCEPHALOPATHY, TYPE 1. Last evaluated: 2001-09-01. Review status: no assertion criteria provided. Collection method: literature only. Allele origin: germline. Not counted in ClinVar's aggregate classification.

Literature cited by the submitters: PubMed 11559313 (cited by 6 submitters); PubMed 15694192 (cited by 4 submitters); PubMed 16580020 (cited by 3 submitters); PubMed 22082899 (cited by 3 submitters); PubMed 27890607 (cited by Mayo Clinic Laboratories, Mayo Clinic and Athena Diagnostics); PubMed 28334938 (cited by 4 submitters); PubMed 32055601 (cited by Mayo Clinic Laboratories, Mayo Clinic and Labcorp Genetics (formerly Invitae), Labcorp); PubMed 32555735 (cited by Mayo Clinic Laboratories, Mayo Clinic); PubMed 33305890 (cited by Mayo Clinic Laboratories, Mayo Clinic and Athena Diagnostics); PubMed 33505295 (cited by Mayo Clinic Laboratories, Mayo Clinic); PubMed 35822697 (cited by 3 submitters); PubMed 37970308 (cited by Athena Diagnostics); PubMed 27881154 (cited by Athena Diagnostics and Victorian Clinical Genetics Services, Murdoch Childrens Research Institute); PubMed 32277177 (cited by Women's Health and Genetics/Laboratory Corporation of America, LabCorp); PubMed 16009764 (cited by Women's Health and Genetics/Laboratory Corporation of America, LabCorp); PubMed 14714274 (cited by Victorian Clinical Genetics Services, Murdoch Childrens Research Institute); PubMed 19293235 (cited by Victorian Clinical Genetics Services, Murdoch Childrens Research Institute); PubMed 25914166 (cited by Victorian Clinical Genetics Services, Murdoch Childrens Research Institute).